The following is an entry in ClinVar:

NM_198904.4(GABRG2):c.259+2T>C

Gene: GABRG2 (gamma-aminobutyric acid type A receptor subunit gamma2; plus strand). Cytogenetic location: 5q34.
Variant type: single nucleotide variant.
Coding change: c.259+2T>C on transcript NM_198904.4 (MANE Select); the canonical splice donor site of the intron after coding-DNA position 259, T replaced by C.
Molecular consequence: splice donor variant.
Genome position (GRCh38, 1-based): chr5:162,093,981, T>C. VCF-style: chr5-162093981-T-C. GRCh37 (hg19) VCF-style: chr5-161520987-T-C.
Other names: c.-27+2T>C (NM_001375349.1); c.259+2T>C (NM_001375343.1, NM_001375344.1, NM_001375340.1 and 4 more transcripts); c.-100+2T>C (NM_001375350.1, NM_001375348.1); c.250+2T>C (NM_001375339.1); c.193+2T>C (NM_001375346.1, NM_001375345.1); c.172+2T>C (NM_001375347.1).
Identifiers: ClinVar variation 1518109 (VCV001518109.8), dbSNP rs2113298770, ClinGen allele CA362183166.

ClinVar aggregate classification (germline): Likely pathogenic (1 of 4 stars; one submission).

Conditions:
Febrile seizures, familial, 8 (FEB8). Also called: CONVULSIONS, FAMILIAL FEBRILE, 8. Identifiers: Orphanet 36387, MedGen C1969810, MONDO:0011891, OMIM 607681.
EPILEPSY, CHILDHOOD ABSENCE, SUSCEPTIBILITY TO, 2 (ECA2). Identifiers: Orphanet 64280, MedGen C1843244, OMIM 607681.

Submission:

Labcorp Genetics (formerly Invitae), Labcorp
Classification: Likely pathogenic for Febrile seizures, familial, 8; EPILEPSY, CHILDHOOD ABSENCE, SUSCEPTIBILITY TO, 2. Last evaluated: 2021-06-15. Review status: criteria provided, single submitter. Criteria: Invitae Variant Classification Sherloc (09022015). Collection method: clinical testing. Allele origin: germline.
Comment: In summary, the currently available evidence indicates that the variant is pathogenic, but additional data are needed to prove that conclusively. Therefore, this variant has been classified as Likely Pathogenic. Algorithms developed to predict the effect of sequence changes on RNA splicing suggest that this variant may disrupt the consensus splice site, but this prediction has not been confirmed by published transcriptional studies. This variant has been observed in individual(s) with clinical features of GABRG2-related conditions (Invitae). This variant is not present in population databases (ExAC no frequency). This sequence change affects a donor splice site in intron 2 of the GABRG2 gene. It is expected to disrupt RNA splicing. Variants that disrupt the donor or acceptor splice site typically lead to a loss of protein function (PMID: 16199547), and loss-of-function variants in GABRG2 are known to be pathogenic (PMID: 22539854, 22750526, 24407264).

Literature cited by the submitters: PubMed 16199547; PubMed 22539854; PubMed 22750526; PubMed 24407264.